The following is an entry in ClinVar:

NM_001372.4(DNAH9):c.12194G>A (p.Arg4065Gln)

Gene: DNAH9 (dynein axonemal heavy chain 9; plus strand). Cytogenetic location: 17p12.
Variant type: single nucleotide variant.
Coding change: c.12194G>A on transcript NM_001372.4 (MANE Select); coding-DNA position 12194, G replaced by A.
Protein change: p.Arg4065Gln; replaces arginine 4065 with glutamine.
Molecular consequence: missense variant.
Genome position (GRCh38, 1-based): chr17:11,932,102, G>A. VCF-style: chr17-11932102-G-A. GRCh37 (hg19) VCF-style: chr17-11835419-G-A.
Other names: c.1130G>A, p.Arg377Gln (NM_004662.2); short protein forms R4065Q, R377Q.
Identifiers: ClinVar variation 3636768 (VCV003636768.2).
Genomic context (GRCh38, chr17:11,932,102, plus strand): 5'-CGGAGTTTAAGAGCATCCTCTTTGCTCTTTGTTACTTCCATGCGGTGGTGGCAGAAAGAC[G>A]AAAATTTGGGCCCCAGGGATGGAATCGCTCATACCCCTTTAACACTGGAGACCTCACTAT-3'
Protein context (NP_001363.2, residues 4055-4075): CYFHAVVAER[Arg4065Gln]KFGPQGWNRS

ClinVar aggregate classification (germline): Uncertain significance (1 of 4 stars; one submission).

gnomAD v4.1: 33 of 1,614,064 alleles (0.002%); highest among the groups gnomAD compares: South Asian, 0.0033%; no homozygotes.

Submission:

Labcorp Genetics (formerly Invitae), Labcorp
Classification: Uncertain significance. Last evaluated: 2024-11-06. Review status: criteria provided, single submitter. Criteria: Invitae Variant Classification Sherloc (09022015). Collection method: clinical testing. Allele origin: germline.
Comment: This sequence change replaces arginine, which is basic and polar, with glutamine, which is neutral and polar, at codon 4065 of the DNAH9 protein (p.Arg4065Gln). This variant is present in population databases (rs541329426, gnomAD 0.004%). This variant has not been reported in the literature in individuals affected with DNAH9-related conditions. Invitae Evidence Modeling of protein sequence and biophysical properties (such as structural, functional, and spatial information, amino acid conservation, physicochemical variation, residue mobility, and thermodynamic stability) indicates that this missense variant is not expected to disrupt DNAH9 protein function with a negative predictive value of 80%. In summary, the available evidence is currently insufficient to determine the role of this variant in disease. Therefore, it has been classified as a Variant of Uncertain Significance.